The following is an entry in ClinVar:

NM_005188.4(CBL):c.2569_2574dup (p.Ser858_Ser859insLeuSer)

Gene: CBL (Cbl proto-oncogene; plus strand). Cytogenetic location: 11q23.3.
Variant type: Duplication.
Coding change: c.2569_2574dup on transcript NM_005188.4 (MANE Select); coding-DNA positions 2569 to 2574, 6 bases duplicated (CTCTCC; older notation c.2569_2574dupCTCTCC).
Protein change: p.Ser858_Ser859insLeuSer.
Molecular consequence: inframe insertion.
Genome position (GRCh38, 1-based): chr11:119,299,629-119,299,634, CTCTCC duplicated. VCF-style (leftmost placement, unchanged base first): chr11-119299628-G-GCTCTCC. GRCh37 (hg19) VCF-style: chr11-119170338-G-GCTCTCC.
Other names: c.2569_2574dupCTCTCC (NM_005188.2).
Identifiers: ClinVar variation 2160374 (VCV002160374.5), dbSNP rs1950087065, ClinGen allele CA1139532500.

ClinVar aggregate classification (germline): Uncertain significance. Review status: criteria provided, multiple submitters, no conflicts (2 of 4 stars). 2 submissions from 2 submitters: Uncertain significance (2). Last evaluated 2025-09-05.

Conditions:
RASopathy. Also called: rasopathies; Noonan spectrum disorder. Identifiers: Orphanet 536391, MedGen C5555857, MONDO:0021060.
Cardiovascular phenotype. Identifiers: MedGen CN230736.

Allele frequency attached by ClinVar (database versions not stated): gnomAD exomes 0.00001; TOPMed 0.00001.

Submissions (2):

Ambry Genetics
Classification: Uncertain significance for Cardiovascular phenotype. Last evaluated: 2025-09-05. Review status: criteria provided, single submitter. Criteria: Ambry Variant Classification Scheme 2023. Collection method: clinical testing. Allele origin: germline.
Comment: The c.2569_2574dupCTCTCC variant (also known as p.L857_S858dup), located in coding exon 16 of the CBL gene, results from an in-frame duplication of CTCTCC at nucleotide positions 2569 to 2574. This results in the duplication of 2 extra residues (LS) between codons 857 and 858. This amino acid region is well conserved to highly conserved in available vertebrate species. In addition, this variant is predicted to be neutral by in silico analysis (Choi Y et al. PLoS ONE. 2012; 7(10):e46688). Based on the available evidence, the clinical significance of this variant remains unclear.

Labcorp Genetics (formerly Invitae), Labcorp
Classification: Uncertain significance for RASopathy. Last evaluated: 2025-07-27. Review status: criteria provided, single submitter. Criteria: Invitae Variant Classification Sherloc (09022015). Collection method: clinical testing. Allele origin: germline.
Comment: This variant, c.2569_2574dup, results in the insertion of 2 amino acid(s) of the CBL protein (p.Leu857_Ser858dup), but otherwise preserves the integrity of the reading frame. This variant is not present in population databases (gnomAD no frequency). This variant has not been reported in the literature in individuals affected with CBL-related conditions. ClinVar contains an entry for this variant (Variation ID: 2160374). Experimental studies and prediction algorithms are not available or were not evaluated, and the functional significance of this variant is currently unknown. Algorithms developed to predict the effect of sequence changes on RNA splicing suggest that this variant may create or strengthen a splice site. In summary, the available evidence is currently insufficient to determine the role of this variant in disease. Therefore, it has been classified as a Variant of Uncertain Significance.